The following is an entry in ClinVar:

NM_130839.5(UBE3A):c.2618A>G (p.Ter873=)

Genes: SNHG14 (small nucleolar RNA host gene 14; plus strand), UBE3A (ubiquitin protein ligase E3A; minus strand). Cytogenetic location: 15q11.2.
Variant type: single nucleotide variant.
Coding change: c.2618A>G on transcript NM_130839.5 (MANE Select); coding-DNA position 2618, A replaced by G.
Protein change: p.Ter873=.
Molecular consequence: synonymous variant. On other transcripts: non-coding transcript variant (1).
Genome position (GRCh38, 1-based): chr15:25,339,138, T>C on the plus strand (A>G on the coding strand, the complement: UBE3A is on the minus strand). VCF-style: chr15-25339138-T-C. GRCh37 (hg19) VCF-style: chr15-25584285-T-C.
Other names: p.*873*:TAA>TGA; p.*876*; c.2627A>G, p.Ter876= (NM_000462.5); c.2618A>G, p.Ter873= (NM_001354505.1, NM_001354538.2); c.2558A>G, p.Ter853= (NM_001354506.2, NM_001354507.2, NM_001354508.2 and 14 more transcripts); c.2462A>G, p.Ter821= (NM_001354545.2); c.2441A>G, p.Ter814= (NM_001354546.2); c.2402A>G, p.Ter801= (NM_001354547.2, NM_001354548.2); and 3 more.
Identifiers: ClinVar variation 96262 (VCV000096262.59), dbSNP rs76794400, ClinGen allele CA149406.

ClinVar aggregate classification (germline): Benign/Likely benign. Review status: criteria provided, multiple submitters, no conflicts (2 of 4 stars). 15 submissions from 15 submitters: Benign (9); Likely benign (1). 5 of the submissions do not count toward it. Last evaluated 2026-09-01.

Conditions:
UBE3A-related disorder. Also called: UBE3A-related condition.
Inborn genetic diseases. Identifiers: MedGen C0950123, MeSH D030342.
Angelman syndrome (AS). Also called: HAPPY PUPPET SYNDROME. Identifiers: Orphanet 72, MedGen C0162635, MONDO:0007113, OMIM 105830. Disease mechanism: loss of function. Inheritance: AS is caused by disruption of maternally imprinted UBE3A located within the 15q11.2-q13 Angelman syndrome/Prader-Willi syndrome (AS/PWS) region., imprinting disorder.

Allele frequency attached by ClinVar (database versions not stated): 1000 Genomes Project 0.00160; 1000 Genomes Project 30x 0.00187; TOPMed 0.00277; ESP Exome Variant Server 0.00300; gnomAD exomes 0.00304 and 0.00480; gnomAD 0.00309 and 0.00313; ExAC 0.00605.
gnomAD v4.1: 7,258 of 1,585,894 alleles (0.46%); highest among the groups gnomAD compares: Non-Finnish European, 0.57%; 24 homozygotes.

Submissions (15):

CeGaT Center for Human Genetics Tuebingen
Classification: Benign. Last evaluated: 2026-09-01. Review status: criteria provided, single submitter. Criteria: CeGaT Center For Human Genetics Tuebingen Variant Classification Criteria Version 2. Collection method: clinical testing. Allele origin: germline. Affected: yes. Observed: 45 variant alleles.
Comment: UBE3A: BS1, BS2

Labcorp Genetics (formerly Invitae), Labcorp
Classification: Benign for Angelman syndrome. Last evaluated: 2026-02-03. Review status: criteria provided, single submitter. Criteria: Invitae Variant Classification Sherloc (09022015). Collection method: clinical testing. Allele origin: germline.

Blueprint Genetics
Classification: Likely benign. Last evaluated: 2024-10-28. Review status: criteria provided, single submitter. Criteria: ACMG Guidelines, 2015. Collection method: clinical testing. Allele origin: germline.

Athena Diagnostics
Classification: Benign. Last evaluated: 2017-06-28. Review status: criteria provided, single submitter. Criteria: Athena Diagnostics Criteria. Collection method: clinical testing. Allele origin: germline.

Center for Pediatric Genomic Medicine, Children's Mercy Hospital and Clinics
Classification: Benign. Last evaluated: 2016-07-22. Review status: criteria provided, single submitter. Criteria: ACMG Guidelines, 2015. Collection method: clinical testing. Allele origin: germline.

Ambry Genetics
Classification: Benign for Inborn genetic diseases. Last evaluated: 2016-06-21. Review status: criteria provided, single submitter. Criteria: Ambry Variant Classification Scheme 2023. Collection method: clinical testing. Allele origin: germline.

Genetic Services Laboratory, University of Chicago
Classification: Benign. Last evaluated: 2013-12-17. Review status: criteria provided, single submitter. Criteria: ACMG Guidelines, 2007. Collection method: clinical testing. Allele origin: germline. Inheritance: Autosomal dominant inheritance.

Eurofins Ntd Llc (ga)
Classification: Benign. Last evaluated: 2012-12-19. Review status: criteria provided, single submitter. Criteria: EGL Classification Definitions 2015. Collection method: clinical testing. Allele origin: germline. Observed: 2 variant alleles, 2 heterozygotes.

GeneDx
Classification: Benign. Last evaluated: 2012-02-09. Review status: criteria provided, single submitter. Criteria: GeneDx Variant Classification (06012015). Collection method: clinical testing. Allele origin: germline. Affected: yes.
Comment: This variant is considered likely benign or benign based on one or more of the following criteria: it is a conservative change, it occurs at a poorly conserved position in the protein, it is predicted to be benign by multiple in silico algorithms, and/or has population frequency not consistent with disease.

Breakthrough Genomics
Classification: Benign. Review status: criteria provided, single submitter. Criteria: ACMG Guidelines, 2015. Collection method: not provided. Allele origin: germline. Inheritance: Autosomal dominant inheritance. Affected: yes.

PreventionGenetics, part of Exact Sciences
Classification: Likely benign for UBE3A-related condition. Last evaluated: 2019-06-06. Review status: no assertion criteria provided. Collection method: clinical testing. Allele origin: germline. Not counted in ClinVar's aggregate classification.
Comment: This variant is classified as likely benign based on ACMG/AMP sequence variant interpretation guidelines (Richards et al. 2015 PMID: 25741868, with internal and published modifications).

Clinical Genetics DNA and cytogenetics Diagnostics Lab, Erasmus MC, Erasmus Medical Center
Classification: Benign. Review status: no assertion criteria provided. Collection method: clinical testing. Allele origin: germline. Affected: yes. Study: VKGL Data-share Consensus. Not counted in ClinVar's aggregate classification.

Diagnostic Laboratory, Department of Genetics, University Medical Center Groningen
Classification: Benign for Angelman syndrome. Review status: no assertion criteria provided. Collection method: clinical testing. Allele origin: germline. Affected: yes. Study: VKGL Data-share Consensus. Not counted in ClinVar's aggregate classification.

Genome Diagnostics Laboratory, University Medical Center Utrecht
Classification: Likely benign. Review status: no assertion criteria provided. Collection method: clinical testing. Allele origin: germline. Affected: yes. Study: VKGL Data-share Consensus. Not counted in ClinVar's aggregate classification.

Joint Genome Diagnostic Labs from Nijmegen and Maastricht, Radboudumc and MUMC+
Classification: Benign. Review status: no assertion criteria provided. Collection method: clinical testing. Allele origin: germline. Affected: yes. Study: VKGL Data-share Consensus. Not counted in ClinVar's aggregate classification.